The following is an entry in ClinVar:

ClinVar aggregate classification (germline): Pathogenic (1 of 4 stars; one submission).

Conditions:
Hereditary cancer-predisposing syndrome. Also called: Hereditary Cancer Syndrome; Neoplastic Syndromes, Hereditary; Hereditary neoplastic syndrome; Tumor predisposition. Identifiers: Orphanet 140162, MedGen C0027672, MeSH D009386, MONDO:0015356.

Submission:

Ambry Genetics
Classification: Pathogenic for Hereditary cancer-predisposing syndrome. Last evaluated: 2011-08-26. Review status: criteria provided, single submitter. Criteria: Ambry Autosomal Dominant and X-Linked criteria (10/2015). Collection method: clinical testing. Allele origin: germline. Observed: 1 variant allele.
Comment: This alteration is expected to result in loss of function by premature protein truncation or nonsense-mediatedâ€¯mRNAâ€¯decay.â€¯As such, this alteration is interpreted as a disease-causing mutation.

NM_177438.3(DICER1):c.4044del (p.Ser1348fs)

Gene: DICER1 (dicer 1, ribonuclease III; minus strand). Cytogenetic location: 14q32.13.
Variant type: Deletion.
Coding change: c.4044del on transcript NM_177438.3 (MANE Select); coding-DNA position 4044, one base deleted (C; older notation c.4044delC).
Protein change: p.Ser1348fs; shifts the reading frame from serine 1348.
Molecular consequence: frameshift variant.
Genome position (GRCh38, 1-based): chr14:95,103,352, G deleted on the plus strand (C on the coding strand, the reverse complement: DICER1 is on the minus strand). VCF-style (leftmost placement, unchanged base first): chr14-95103351-TG-T. GRCh37 (hg19) VCF-style: chr14-95569688-TG-T.
Other names: c.4044del, p.Ser1348fs (NM_001195573.1, NM_001271282.3, NM_001291628.2 and 1 more transcripts); c.4044delC (NM_177438.2); short protein forms S1348fs.
Identifiers: ClinVar variation 429156 (VCV000429156.3), dbSNP rs1131691224, ClinGen allele CA645369609.